The following is an entry in ClinVar:

ClinVar aggregate classification (germline): Uncertain significance (1 of 4 stars; one submission).

Conditions:
Hereditary cancer-predisposing syndrome. Also called: Tumor predisposition; Neoplastic Syndromes, Hereditary; Hereditary Cancer Syndrome; Hereditary neoplastic syndrome. Identifiers: Orphanet 140162, MedGen C0027672, MeSH D009386, MONDO:0015356.

gnomAD v4.1: 1 of 1,614,134 alleles (0.000062%); highest among the groups gnomAD compares: Non-Finnish European, 0.000085%; no homozygotes.

Submission:

Ambry Genetics
Classification: Uncertain significance for Hereditary cancer-predisposing syndrome. Last evaluated: 2024-07-01. Review status: criteria provided, single submitter. Criteria: Ambry Variant Classification Scheme 2023. Collection method: clinical testing. Allele origin: germline.
Comment: The p.V60I variant (also known as c.178G>A), located in coding exon 2 of the CTNNA1 gene, results from a G to A substitution at nucleotide position 178. The valine at codon 60 is replaced by isoleucine, an amino acid with highly similar properties. This amino acid position is conserved. In addition, this alteration is predicted to be tolerated by in silico analysis. Based on the available evidence, the clinical significance of this variant remains unclear.

NM_001903.5(CTNNA1):c.178G>A (p.Val60Ile)

Gene: CTNNA1 (catenin alpha 1; plus strand). Cytogenetic location: 5q31.2.
Variant type: single nucleotide variant.
Coding change: c.178G>A on transcript NM_001903.5 (MANE Select); coding-DNA position 178, G replaced by A.
Protein change: p.Val60Ile; replaces valine 60 with isoleucine.
Molecular consequence: missense variant. On other transcripts: 5 prime UTR variant (1), intron variant (1).
Genome position (GRCh38, 1-based): chr5:138,783,249, G>A. VCF-style: chr5-138783249-G-A. GRCh37 (hg19) VCF-style: chr5-138118938-G-A.
Other names: c.178G>A, p.Val60Ile (NM_001290307.3, NM_001323982.2, NM_001323983.1 and 3 more transcripts); c.-29G>A (NM_001290310.3); c.-9+1220G>A (NM_001290309.3); short protein forms V60I.
Identifiers: ClinVar variation 3498206 (VCV003498206.1).